The following is an entry in ClinVar:

NM_014014.5(SNRNP200):c.3269G>A (p.Arg1090Gln)

Gene: SNRNP200 (small nuclear ribonucleoprotein U5 subunit 200; minus strand). Cytogenetic location: 2q11.2.
Variant type: single nucleotide variant.
Coding change: c.3269G>A on transcript NM_014014.5 (MANE Select); coding-DNA position 3269, G replaced by A.
Protein change: p.Arg1090Gln; replaces arginine 1090 with glutamine.
Molecular consequence: missense variant.
Genome position (GRCh38, 1-based): chr2:96,287,959, C>T on the plus strand (G>A on the coding strand, the complement: SNRNP200 is on the minus strand). VCF-style: chr2-96287959-C-T. GRCh37 (hg19) VCF-style: chr2-96953697-C-T.
Other names: short protein forms R1090Q.
Identifiers: ClinVar variation 1360981 (VCV001360981.8), dbSNP rs397514574, ClinGen allele CA1778496.

ClinVar aggregate classification (germline): Conflicting classifications of pathogenicity. Review status: criteria provided, conflicting classifications (1 of 4 stars). 4 submissions from 4 submitters: Pathogenic (2); Uncertain significance (2). Last evaluated 2024-10-30.

Conditions:
SNRNP200-related disorder. Also called: SNRNP200-related condition.
Retinitis pigmentosa 33 (RP33). Identifiers: Orphanet 791, MedGen C1835895, MONDO:0012477, OMIM 610359.
Retinal dystrophy. Also called: Inherited retinal dystrophy. Identifiers: Orphanet 71862, MedGen C0854723, MeSH D058499, MONDO:0019118, HP:0000556.

Allele frequency attached by ClinVar (database versions not stated): gnomAD exomes 0.00001 and 0.00002; TOPMed 0.00001; ExAC 0.00002.

Submissions (4):

Labcorp Genetics (formerly Invitae), Labcorp
Classification: Pathogenic. Last evaluated: 2024-10-30. Review status: criteria provided, single submitter. Criteria: Invitae Variant Classification Sherloc (09022015). Collection method: clinical testing. Allele origin: germline.
Comment: This sequence change replaces arginine, which is basic and polar, with glutamine, which is neutral and polar, at codon 1090 of the SNRNP200 protein (p.Arg1090Gln). This variant is present in population databases (rs397514574, gnomAD 0.01%). This missense change has been observed in individual(s) with autosomal recessive inherited retinal dystrophy (PMID: 29320387). It has also been observed to segregate with disease in related individuals. ClinVar contains an entry for this variant (Variation ID: 1360981). Invitae Evidence Modeling of protein sequence and biophysical properties (such as structural, functional, and spatial information, amino acid conservation, physicochemical variation, residue mobility, and thermodynamic stability) has been performed for this missense variant. However, the output from this modeling did not meet the statistical confidence thresholds required to predict the impact of this variant on SNRNP200 protein function. For these reasons, this variant has been classified as Pathogenic.

Dept Of Ophthalmology, Nagoya University
Classification: Uncertain significance for Retinal dystrophy. Last evaluated: 2023-10-01. Review status: criteria provided, single submitter. Criteria: Submitter's publication. Collection method: research. Allele origin: germline. Affected: yes.

Blueprint Genetics
Classification: Pathogenic for SNRNP200-related disorders. Last evaluated: 2023-09-08. Review status: criteria provided, single submitter. Criteria: ACMG Guidelines, 2015. Collection method: clinical testing. Allele origin: germline. Affected: yes. Observed: 5 variant alleles.

Pangenia Genomics, Pangenia Inc.
Classification: Uncertain significance for Retinitis pigmentosa 33. Last evaluated: 2022-01-14. Review status: criteria provided, single submitter. Criteria: ACMG Guidelines, 2015. Collection method: research. Allele origin: unknown. Inheritance: Autosomal dominant inheritance. Affected: yes. Observed: 1 heterozygote.
Comment: The SNRNP200, c.3269G>A (p.Arg1090Gln) variant is at extremely low frequency in population databases ; allele frequency in East Asia population is 0.0001 by gnomAD v2.1.1. This missense variant results in the amino acid change of p.Arg1090Gln . Another variant resulting in the amino acid change at the same position to a different residue (p.Arg1090Leu ) has been determined to be pathogenic [PMID: 19710410]. In a 4-generation Chinese family with 12 members affected by autosomal dominant retinitis pigmentosa (RP), the heterozygous variant segregated with the disease and was not found in 100 ethnically matched controls. Multiple lines of computational evidence support a deleterious effect on the gene or gene product REVEL=0. 838. There is co-segregation with disease in multiple affected family members in a gene definitively known to cause the disease. This variant has also been detected in a consanguineous Pakistani family [PMID: 29320387 ], co-segregating with an autosomal recessive form of retinitis pigmentosa.

Literature cited by the submitters: PubMed 29320387 (cited by Labcorp Genetics (formerly Invitae), Labcorp and Pangenia Genomics, Pangenia Inc.).